The following is an entry in ClinVar:

NM_004750.5(CRLF1):c.151_153del (p.Leu51del)

Gene: CRLF1 (cytokine receptor like factor 1; minus strand). Cytogenetic location: 19p13.11.
Variant type: Deletion.
Coding change: c.151_153del on transcript NM_004750.5 (MANE Select); coding-DNA positions 151 to 153, 3 bases deleted (CTC; older notation c.151_153delCTC).
Protein change: p.Leu51del; deletes leucine 51.
Molecular consequence: inframe deletion.
Genome position (GRCh38, 1-based): chr19:18,599,809-18,599,811, GAG deleted on the plus strand (CTC on the coding strand, the reverse complement: CRLF1 is on the minus strand). VCF-style (leftmost placement, unchanged base first): chr19-18599808-TGAG-T. GRCh37 (hg19) VCF-style: chr19-18710618-TGAG-T.
Other names: c.151_153del (NM_004750.4); short protein forms L51del.
Identifiers: ClinVar variation 1996627 (VCV001996627.5), dbSNP rs751257411, ClinGen allele CA9314324.

ClinVar aggregate classification (germline): Conflicting classifications of pathogenicity. Review status: criteria provided, conflicting classifications (1 of 4 stars). 2 submissions from 2 submitters: Likely pathogenic (1); Uncertain significance (1). Last evaluated 2025-03-03.

Allele frequency attached by ClinVar (database versions not stated): gnomAD exomes below 0.00001; gnomAD 0.00001; TOPMed 0.00001.

Submissions (2):

GeneDx
Classification: Likely pathogenic. Last evaluated: 2025-03-03. Review status: criteria provided, single submitter. Criteria: GeneDx Variant Classification Process June 2021. Collection method: clinical testing. Allele origin: germline. Affected: yes.
Comment: In-frame deletion of 1 amino acid(s) in a non-repeat region; Not observed at significant frequency in large population cohorts (gnomAD); In silico analysis supports a deleterious effect on protein structure/function; This variant is associated with the following publications: (PMID: deLen-Ojeda2024[paper])

Labcorp Genetics (formerly Invitae), Labcorp
Classification: Uncertain significance. Last evaluated: 2022-09-07. Review status: criteria provided, single submitter. Criteria: Invitae Variant Classification Sherloc (09022015). Collection method: clinical testing. Allele origin: germline.
Comment: In summary, the available evidence is currently insufficient to determine the role of this variant in disease. Therefore, it has been classified as a Variant of Uncertain Significance. Experimental studies and prediction algorithms are not available or were not evaluated, and the functional significance of this variant is currently unknown. This variant has not been reported in the literature in individuals affected with CRLF1-related conditions. This variant is present in population databases (rs751257411, gnomAD 0.004%). This variant, c.151_153del, results in the deletion of 1 amino acid(s) of the CRLF1 protein (p.Leu51del), but otherwise preserves the integrity of the reading frame.